The following is an entry in ClinVar:

NM_000179.3(MSH6):c.1691C>G (p.Ser564Ter)

Gene: MSH6 (mutS homolog 6; plus strand). Cytogenetic location: 2p16.3.
Variant type: single nucleotide variant.
Coding change: c.1691C>G on transcript NM_000179.3 (MANE Select); coding-DNA position 1691, C replaced by G.
Protein change: p.Ser564Ter; replaces serine 564 with a stop codon.
Molecular consequence: nonsense.
Genome position (GRCh38, 1-based): chr2:47,799,674, C>G. VCF-style: chr2-47799674-C-G. GRCh37 (hg19) VCF-style: chr2-48026813-C-G.
Other names: c.1301C>G, p.Ser434Ter (NM_001281492.2); c.785C>G, p.Ser262Ter (NM_001281493.2, NM_001281494.2); short protein forms S564*, S434*, S262*.
Identifiers: ClinVar variation 545983 (VCV000545983.14), dbSNP rs864622153, ClinGen allele CA346747528.
Genomic context (GRCh38, chr2:47,799,674, plus strand): 5'-AAAAAGAGGAAGATTCTTCTGGCCATACTCGTGCATATGGTGTGTGCTTTGTTGATACTT[C>G]ACTGGGAAAGTTTTTCATAGGTCAGTTTTCAGATGATCGCCATTGTTCGAGATTTAGGAC-3'

ClinVar aggregate classification (germline): Pathogenic. Review status: criteria provided, multiple submitters, no conflicts (2 of 4 stars). 5 submissions from 5 submitters: Pathogenic (5). Last evaluated 2024-07-30.

Conditions:
Hereditary nonpolyposis colorectal neoplasms. Identifiers: MedGen C0009405, MeSH D003123.
Lynch syndrome 5 (LYNCH5). Also called: Colorectal cancer, hereditary nonpolyposis, type 5; Hereditary non-polyposis colorectal cancer, type 5. Identifiers: Orphanet 144, MedGen C1833477, MONDO:0013710, OMIM 614350. Disease mechanism: loss of function.
Hereditary cancer-predisposing syndrome. Also called: Neoplastic Syndromes, Hereditary; Hereditary Cancer Syndrome; Tumor predisposition; Hereditary neoplastic syndrome. Identifiers: Orphanet 140162, MedGen C0027672, MeSH D009386, MONDO:0015356.

Submissions (5):

Labcorp Genetics (formerly Invitae), Labcorp
Classification: Pathogenic for Hereditary nonpolyposis colorectal neoplasms. Last evaluated: 2024-07-30. Review status: criteria provided, single submitter. Criteria: Invitae Variant Classification Sherloc (09022015). Collection method: clinical testing. Allele origin: germline.
Comment: This sequence change creates a premature translational stop signal (p.Ser564*) in the MSH6 gene. It is expected to result in an absent or disrupted protein product. Loss-of-function variants in MSH6 are known to be pathogenic (PMID: 18269114, 24362816). This variant is not present in population databases (gnomAD no frequency). This premature translational stop signal has been observed in individual(s) with Lynch syndrome (PMID: 27601186). ClinVar contains an entry for this variant (Variation ID: 545983). For these reasons, this variant has been classified as Pathogenic.

Myriad Genetics, Inc.
Classification: Pathogenic for Lynch syndrome 5. Last evaluated: 2023-08-15. Review status: criteria provided, single submitter. Criteria: Myriad Autosomal Dominant, Autosomal Recessive and X-Linked Classification Criteria (2023). Collection method: clinical testing. Allele origin: unknown.
Comment: This variant is considered pathogenic. This variant creates a termination codon and is predicted to result in premature protein truncation.

Clinical Genetics Laboratory, Skane University Hospital Lund
Classification: Pathogenic. Last evaluated: 2022-05-27. Review status: criteria provided, single submitter. Criteria: ACMG Guidelines, 2015. Collection method: clinical testing. Allele origin: germline. Affected: yes.

Ambry Genetics
Classification: Pathogenic for Hereditary cancer-predisposing syndrome. Last evaluated: 2019-03-21. Review status: criteria provided, single submitter. Criteria: Ambry Variant Classification Scheme 2023. Collection method: clinical testing. Allele origin: germline.
Comment: The p.S564* pathogenic mutation (also known as c.1691C>G), located in coding exon 4 of the MSH6 gene, results from a C to G substitution at nucleotide position 1691. This changes the amino acid from a serine to a stop codon within coding exon 4. This alteration has been identified in 2/369 Swedish Lynch syndrome families (Lagerstedt-Robinson K et al. Oncol. Rep., 2016 Nov;36:2823-2835). In addition to the clinical data presented in the literature, this alteration is expected to result in loss of function by premature protein truncation or nonsense-mediated mRNA decay. As such, this alteration is interpreted as a disease-causing mutation.

GeneDx
Classification: Pathogenic. Last evaluated: 2017-12-27. Review status: criteria provided, single submitter. Criteria: GeneDx Variant Classification (06012015). Collection method: clinical testing. Allele origin: germline. Affected: yes.
Comment: This variant is denoted MSH6 c.1691C>G at the cDNA level and p.Ser564Ter (S564X) at the protein level. The substitution creates a nonsense variant, which changes a Serine to a premature stop codon (TCA>TGA), and is predicted to cause loss of normal protein function through protein truncation. This variant has been reported in at least two individuals with a personal and/or family history suspicious for Lynch syndrome (Lagerstedt-Robinson 2016). Based on currently available evidence, we consider this variant to be pathogenic.

Literature cited by the submitters: PubMed 18269114 (cited by Labcorp Genetics (formerly Invitae), Labcorp); PubMed 24362816 (cited by Labcorp Genetics (formerly Invitae), Labcorp); PubMed 27601186 (cited by Labcorp Genetics (formerly Invitae), Labcorp and Ambry Genetics).